The following is an entry in ClinVar:

ClinVar aggregate classification (germline): Likely benign. Review status: criteria provided, single submitter (1 of 4 stars). 2 submissions from 2 submitters: Likely benign (1). 1 of the submissions does not count toward it. Last evaluated 2025-02-07.

Conditions:
KISS1R-related disorder. Also called: KISS1R-related condition.

gnomAD v4.1: 62 of 1,606,784 alleles (0.0039%); highest among the groups gnomAD compares: Admixed American, 0.099%; no homozygotes.

Submissions (2):

Labcorp Genetics (formerly Invitae), Labcorp
Classification: Likely benign. Last evaluated: 2025-02-07. Review status: criteria provided, single submitter. Criteria: Invitae Variant Classification Sherloc (09022015). Collection method: clinical testing. Allele origin: germline.

PreventionGenetics, part of Exact Sciences
Classification: Likely benign for KISS1R-related condition. Last evaluated: 2019-03-22. Review status: no assertion criteria provided. Collection method: clinical testing. Allele origin: germline. Not counted in ClinVar's aggregate classification.
Comment: This variant is classified as likely benign based on ACMG/AMP sequence variant interpretation guidelines (Richards et al. 2015 PMID: 25741868, with internal and published modifications).

NM_032551.5(KISS1R):c.216G>A (p.Pro72=)

Genes: KISS1R (KISS1 receptor; plus strand), LOC130062853 (ATAC-STARR-seq lymphoblastoid silent region 9630; plus strand). Cytogenetic location: 19p13.3.
Variant type: single nucleotide variant.
Coding change: c.216G>A on transcript NM_032551.5 (MANE Select); coding-DNA position 216, G replaced by A.
Protein change: p.Pro72=; no amino-acid change (proline 72 retained).
Molecular consequence: synonymous variant.
Genome position (GRCh38, 1-based): chr19:917,718, G>A. VCF-style: chr19-917718-G-A. GRCh37 (hg19) VCF-style: chr19-917718-G-A.
Other names: c.216G>A (NM_032551.4).
Identifiers: ClinVar variation 1554387 (VCV001554387.10), dbSNP rs780363542, ClinGen allele CA9028717.